The following is an entry in ClinVar:

NM_024408.4(NOTCH2):c.7099C>T (p.Gln2367Ter)

Gene: NOTCH2 (notch receptor 2; minus strand). Cytogenetic location: 1p12.
Variant type: single nucleotide variant.
Coding change: c.7099C>T on transcript NM_024408.4 (MANE Select); coding-DNA position 7099, C replaced by T.
Protein change: p.Gln2367Ter; replaces glutamine 2367 with a stop codon.
Molecular consequence: nonsense.
Genome position (GRCh38, 1-based): chr1:119,915,623, G>A on the plus strand (C>T on the coding strand, the complement: NOTCH2 is on the minus strand). VCF-style: chr1-119915623-G-A. GRCh37 (hg19) VCF-style: chr1-120458246-G-A.
Other names: short protein forms Q2367*.
Identifiers: ClinVar variation 2127842 (VCV002127842.4), dbSNP rs2101141863, ClinGen allele CA341873521.

ClinVar aggregate classification (germline): Pathogenic (1 of 4 stars; one submission).

Conditions:
Hajdu-Cheney syndrome (HJCYS). Also called: SERPENTINE FIBULA-POLYCYSTIC KIDNEY SYNDROME; Acroosteolysis dominant type; ACROOSTEOLYSIS WITH OSTEOPOROSIS AND CHANGES IN SKULL AND MANDIBLE. Identifiers: Orphanet 955, MedGen C0917715, MONDO:0007057, OMIM 102500.

Submission:

Labcorp Genetics (formerly Invitae), Labcorp
Classification: Pathogenic for Hajdu-Cheney syndrome. Last evaluated: 2022-05-22. Review status: criteria provided, single submitter. Criteria: Invitae Variant Classification Sherloc (09022015). Collection method: clinical testing. Allele origin: germline.
Comment: This premature translational stop signal has been observed in individual(s) with NOTCH2-related conditions (Invitae). In at least one individual the variant was observed to be de novo. For these reasons, this variant has been classified as Pathogenic. This variant is not present in population databases (gnomAD no frequency). This sequence change creates a premature translational stop signal (p.Gln2367*) in the NOTCH2 gene. While this is not anticipated to result in nonsense mediated decay, it is expected to disrupt the last 105 amino acid(s) of the NOTCH2 protein.